The following is an entry in ClinVar:

ClinVar aggregate classification (germline): Uncertain significance (1 of 4 stars; one submission).

Allele frequency attached by ClinVar (database versions not stated): TOPMed below 0.00001.

Submission:

GeneDx
Classification: Uncertain significance. Last evaluated: 2020-06-08. Review status: criteria provided, single submitter. Criteria: GeneDx Variant Classification Process June 2021. Collection method: clinical testing. Allele origin: germline. Affected: yes.
Comment: Not observed in large population cohorts (Lek et al., 2016); In silico analysis supports that this missense variant has a deleterious effect on protein structure/function; Has not been previously published as pathogenic or benign to our knowledge

NM_000522.5(HOXA13):c.962G>A (p.Arg321Lys)

Gene: HOXA13 (homeobox A13; minus strand). Cytogenetic location: 7p15.2.
Variant type: single nucleotide variant.
Coding change: c.962G>A on transcript NM_000522.5 (MANE Select); coding-DNA position 962, G replaced by A.
Protein change: p.Arg321Lys; replaces arginine 321 with lysine.
Molecular consequence: missense variant.
Genome position (GRCh38, 1-based): chr7:27,198,403, C>T on the plus strand (G>A on the coding strand, the complement: HOXA13 is on the minus strand). VCF-style: chr7-27198403-C-T. GRCh37 (hg19) VCF-style: chr7-27238022-C-T.
Other names: short protein forms R321K.
Identifiers: ClinVar variation 1303439 (VCV001303439.2), dbSNP rs76529896, ClinGen allele CA155872792.
Genomic context (GRCh38, chr7:27,198,403, plus strand): 5'-TATTCCCGTTCAAGTTCTTTTAATTGCACCTTGGTATAAGGCACGCGCTTCTTTCTCCCC[C>T]TCCTATAGGAGCTGGCATCCGAGGGATGGGAGACCACGTCTAGAAGACAAGGGAGAAGGC-3'
Protein context (NP_000513.2, residues 311-331): SHPSDASSYR[Arg321Lys]GRKKRVPYTK